The following is an entry in ClinVar:

ClinVar aggregate classification (germline): Likely benign (0 of 4 stars; one submission).

Conditions:
SDK2-related disorder. Also called: SDK2-related condition.

Allele frequency attached by ClinVar (database versions not stated): gnomAD exomes 0.00007; 1000 Genomes Project 30x 0.00016; 1000 Genomes Project 0.00020; ExAC 0.00025; gnomAD 0.00070; TOPMed 0.00073; ESP Exome Variant Server 0.00138.
gnomAD v4.1: 214 of 1,559,016 alleles (0.014%); highest among the groups gnomAD compares: African/African-American, 0.26%; no homozygotes.

Submission:

PreventionGenetics, part of Exact Sciences
Classification: Likely benign for SDK2-related condition. Last evaluated: 2019-02-22. Review status: no assertion criteria provided. Collection method: clinical testing. Allele origin: germline.
Comment: This variant is classified as likely benign based on ACMG/AMP sequence variant interpretation guidelines (Richards et al. 2015 PMID: 25741868, with internal and published modifications).

NM_001144952.2(SDK2):c.4763-5C>A

Gene: SDK2 (sidekick cell adhesion molecule 2; minus strand). Cytogenetic location: 17q25.1.
Variant type: single nucleotide variant.
Coding change: c.4763-5C>A on transcript NM_001144952.2 (MANE Select); 5 bases into the intron before coding-DNA position 4763, C replaced by A.
Molecular consequence: intron variant.
Genome position (GRCh38, 1-based): chr17:73,379,554, G>T on the plus strand (C>A on the coding strand, the complement: SDK2 is on the minus strand). VCF-style: chr17-73379554-G-T. GRCh37 (hg19) VCF-style: chr17-71375693-G-T.
Identifiers: ClinVar variation 3046756 (VCV003046756.2), dbSNP rs183962646, ClinGen allele CA8742630.